The following is an entry in ClinVar:

ClinVar aggregate classification (germline): Uncertain significance (1 of 4 stars; one submission).

Allele frequency attached by ClinVar (database versions not stated): gnomAD exomes below 0.00001; TOPMed below 0.00001; gnomAD 0.00001.
gnomAD v4.1: 6 of 1,613,854 alleles (0.00037%); highest among the groups gnomAD compares: Non-Finnish European, 0.00051%; no homozygotes.

Submission:

Labcorp Genetics (formerly Invitae), Labcorp
Classification: Uncertain significance. Last evaluated: 2022-04-18. Review status: criteria provided, single submitter. Criteria: Invitae Variant Classification Sherloc (09022015). Collection method: clinical testing. Allele origin: germline.
Comment: This variant has not been reported in the literature in individuals affected with AFG3L2-related conditions. This sequence change replaces threonine, which is neutral and polar, with methionine, which is neutral and non-polar, at codon 560 of the AFG3L2 protein (p.Thr560Met). This variant is not present in population databases (gnomAD no frequency). Advanced modeling of protein sequence and biophysical properties (such as structural, functional, and spatial information, amino acid conservation, physicochemical variation, residue mobility, and thermodynamic stability) performed at Invitae indicates that this missense variant is expected to disrupt AFG3L2 protein function. In summary, the available evidence is currently insufficient to determine the role of this variant in disease. Therefore, it has been classified as a Variant of Uncertain Significance.

NM_006796.3(AFG3L2):c.1679C>T (p.Thr560Met)

Gene: AFG3L2 (AFG3 like matrix AAA peptidase subunit 2; minus strand). Cytogenetic location: 18p11.21.
Variant type: single nucleotide variant.
Coding change: c.1679C>T on transcript NM_006796.3 (MANE Select); coding-DNA position 1679, C replaced by T.
Protein change: p.Thr560Met; replaces threonine 560 with methionine.
Molecular consequence: missense variant.
Genome position (GRCh38, 1-based): chr18:12,344,232, G>A on the plus strand (C>T on the coding strand, the complement: AFG3L2 is on the minus strand). VCF-style: chr18-12344232-G-A. GRCh37 (hg19) VCF-style: chr18-12344231-G-A.
Other names: short protein forms T560M.
Identifiers: ClinVar variation 2419052 (VCV002419052.5), dbSNP rs763265106, ClinGen allele CA296694909.